The following is an entry in ClinVar:

NM_001005498.4(RHBDF2):c.1639-18G>A

Gene: RHBDF2 (rhomboid 5 homolog 2; minus strand). Cytogenetic location: 17q25.1.
Variant type: single nucleotide variant.
Coding change: c.1639-18G>A on transcript NM_001005498.4 (MANE Select); 18 bases into the intron before coding-DNA position 1639, G replaced by A.
Molecular consequence: intron variant.
Genome position (GRCh38, 1-based): chr17:76,473,760, C>T on the plus strand (G>A on the coding strand, the complement: RHBDF2 is on the minus strand). VCF-style: chr17-76473760-C-T. GRCh37 (hg19) VCF-style: chr17-74469842-C-T.
Other names: c.1726-18G>A (NM_024599.5); c.1639-18G>A (NM_001376230.1, NM_001376228.1, NM_001376229.1).
Identifiers: ClinVar variation 3699276 (VCV003699276.2).

ClinVar aggregate classification (germline): Uncertain significance (1 of 4 stars; one submission).

gnomAD v4.1: 7 of 1,610,802 alleles (0.00043%); highest among the groups gnomAD compares: African/African-American, 0.0027%; no homozygotes.

Submission:

Labcorp Genetics (formerly Invitae), Labcorp
Classification: Uncertain significance. Last evaluated: 2024-09-30. Review status: criteria provided, single submitter. Criteria: Invitae Variant Classification Sherloc (09022015). Collection method: clinical testing. Allele origin: germline.
Comment: This sequence change falls in intron 14 of the RHBDF2 gene. It does not directly change the encoded amino acid sequence of the RHBDF2 protein. This variant is present in population databases (no rsID available, gnomAD 0.002%). This variant has not been reported in the literature in individuals affected with RHBDF2-related conditions. Algorithms developed to predict the effect of sequence changes on RNA splicing suggest that this variant may disrupt the consensus splice site. In summary, the available evidence is currently insufficient to determine the role of this variant in disease. Therefore, it has been classified as a Variant of Uncertain Significance.